The following is an entry in ClinVar:

NM_001927.4(DES):c.735+1G>C

Gene: DES (desmin; plus strand). Cytogenetic location: 2q35.
Variant type: single nucleotide variant.
Coding change: c.735+1G>C on transcript NM_001927.4 (MANE Select); the canonical splice donor site of the intron after coding-DNA position 735, G replaced by C.
Molecular consequence: splice donor variant. On other transcripts: intron variant (1).
Genome position (GRCh38, 1-based): chr2:219,420,347, G>C. VCF-style: chr2-219420347-G-C. GRCh37 (hg19) VCF-style: chr2-220285069-G-C.
Other names: c.735+1G>C (NM_001382712.1, NM_001382711.1, NM_001382710.1 and 1 more transcripts); c.732+1G>C (NM_001382708.1); c.496-178G>C (NM_001382713.1).
Identifiers: ClinVar variation 163027 (VCV000163027.8), dbSNP rs397516698, ClinGen allele CA273134.
Genomic context (GRCh38, chr2:219,420,347, plus strand): 5'-GAGCGCAGAATTGAATCTCTCAACGAGGAGATCGCGTTCCTTAAGAAAGTGCATGAAGAG[G>C]TATACCTTGGCCCCTCTTCCTGGGGTCACTGGGCCATGGGGAAAGCAGCCGGAAAGTGGG-3'

ClinVar aggregate classification (germline): Pathogenic/Likely pathogenic. Review status: criteria provided, multiple submitters, no conflicts (2 of 4 stars). 3 submissions from 3 submitters: Pathogenic (2); Likely pathogenic (1). Last evaluated 2024-12-26.

Conditions:
Desmin-related myofibrillar myopathy (MFM1). Also called: Desminopathy; Desmin related myopathy (former name); Desmin storage myopathy (former name); MYOFIBRILLAR MYOPATHY WITH ARRHYTHMOGENIC RIGHT VENTRICULAR CARDIOMYOPATHY; DESMIN-RELATED MYOPATHY WITH ARRHYTHMOGENIC RIGHT VENTRICULAR CARDIOMYOPATHY; Myofibrillar myopathy 1. Identifiers: Orphanet 363543, Orphanet 98909, MedGen C1832370, MONDO:0011076, OMIM 601419.

Submissions (3):

Labcorp Genetics (formerly Invitae), Labcorp
Classification: Pathogenic for Desmin-related myofibrillar myopathy. Last evaluated: 2024-12-26. Review status: criteria provided, single submitter. Criteria: Invitae Variant Classification Sherloc (09022015). Collection method: clinical testing. Allele origin: germline.
Comment: This sequence change affects a donor splice site in intron 3 of the DES gene. RNA analysis indicates that disruption of this splice site induces altered splicing and likely results in a shortened protein product. This variant is not present in population databases (gnomAD no frequency). Disruption of this splice site has been observed in individuals with clinical features of autosomal dominant DES-related conditions (PMID: 30614851, 34315782, 35898174; internal data). ClinVar contains an entry for this variant (Variation ID: 163027). Studies have shown that disruption of this splice site results in skipping of exon 3, but is expected to preserve the integrity of the reading-frame (PMID: 29034897, 30614851). For these reasons, this variant has been classified as Pathogenic.

Institute of Immunology and Genetics Kaiserslautern
Classification: Pathogenic for Desmin-related myofibrillar myopathy. Last evaluated: 2024-07-19. Review status: criteria provided, single submitter. Criteria: ACMG Guidelines, 2015. Collection method: clinical testing. Allele origin: germline. Affected: yes.
Comment: ACMG Criteria: PVS1, PM2, PP5; Variant was found in heterozygous state

Laboratory for Molecular Medicine, Mass General Brigham Personalized Medicine
Classification: Likely pathogenic for Desmin-related myofibrillar myopathy. Last evaluated: 2014-03-05. Review status: criteria provided, single submitter. Criteria: LMM Criteria. Collection method: clinical testing. Allele origin: germline. Inheritance: Autosomal dominant inheritance. Observed: 1 variant allele.
Comment: The 735+1G>C variant in DES has not been previously reported in individuals with cardiomyopathy or in large population studies. This variant occurs in the invar iant region (+/- 1,2) of the splice consensus sequence and is predicted to cause altered splicing leading to an abnormal or absent protein. In summary, the 735+1G>C variant is likely patho genic, though additional studies are required to fully establish its clinical si gnificance.

Literature cited by the submitters: PubMed 30614851 (cited by Labcorp Genetics (formerly Invitae), Labcorp); PubMed 34315782 (cited by Labcorp Genetics (formerly Invitae), Labcorp); PubMed 35898174 (cited by Labcorp Genetics (formerly Invitae), Labcorp); PubMed 29034897 (cited by Labcorp Genetics (formerly Invitae), Labcorp); PubMed 14724127 (cited by Laboratory for Molecular Medicine, Mass General Brigham Personalized Medicine); PubMed 22484823 (cited by Laboratory for Molecular Medicine, Mass General Brigham Personalized Medicine); PubMed 11073539 (cited by Laboratory for Molecular Medicine, Mass General Brigham Personalized Medicine).